The following is an entry in ClinVar:

ClinVar aggregate classification (germline): Conflicting classifications of pathogenicity. Review status: criteria provided, conflicting classifications (1 of 4 stars). 2 submissions from 2 submitters: Uncertain significance (1); Likely benign (1). Last evaluated 2025-05-12.

Conditions:
Cardiovascular phenotype. Identifiers: MedGen CN230736.

Allele frequency attached by ClinVar (database versions not stated): TOPMed 0.00012; gnomAD exomes 0.00014 and 0.00012; ExAC 0.00014; gnomAD 0.00017 and 0.00020.

Submissions (2):

Ambry Genetics
Classification: Likely benign for Cardiovascular phenotype. Last evaluated: 2025-05-12. Review status: criteria provided, single submitter. Criteria: Ambry Variant Classification Scheme 2023. Collection method: clinical testing. Allele origin: germline.

GeneDx
Classification: Uncertain significance. Last evaluated: 2023-05-24. Review status: criteria provided, single submitter. Criteria: GeneDx Variant Classification Process June 2021. Collection method: clinical testing. Allele origin: germline. Affected: yes.
Comment: In silico analysis supports that this missense variant does not alter protein structure/function; Has not been previously published as pathogenic or benign to our knowledge

NM_130468.4(CHST14):c.508G>T (p.Ala170Ser)

Gene: CHST14 (carbohydrate sulfotransferase 14; plus strand). Cytogenetic location: 15q15.1.
Variant type: single nucleotide variant.
Coding change: c.508G>T on transcript NM_130468.4 (MANE Select); coding-DNA position 508, G replaced by T.
Protein change: p.Ala170Ser; replaces alanine 170 with serine.
Molecular consequence: missense variant.
Genome position (GRCh38, 1-based): chr15:40,471,721, G>T. VCF-style: chr15-40471721-G-T. GRCh37 (hg19) VCF-style: chr15-40763920-G-T.
Other names: short protein forms A170S.
Identifiers: ClinVar variation 1206840 (VCV001206840.5), dbSNP rs200330181, ClinGen allele CA7481607.